The following is an entry in ClinVar:

ClinVar aggregate classification (germline): Uncertain significance. Review status: criteria provided, multiple submitters, no conflicts (2 of 4 stars). 2 submissions from 2 submitters: Uncertain significance (2). Last evaluated 2024-04-12.

Conditions:
Cardiovascular phenotype. Identifiers: MedGen CN230736.

Allele frequency attached by ClinVar (database versions not stated): gnomAD exomes 0.00001; ExAC 0.00003; ESP Exome Variant Server 0.00023.
gnomAD v4.1: 55 of 1,612,130 alleles (0.0034%); highest among the groups gnomAD compares: African/African-American, 0.016%; 1 homozygote.

Submissions (2):

Ambry Genetics
Classification: Uncertain significance for Cardiovascular phenotype. Last evaluated: 2024-04-12. Review status: criteria provided, single submitter. Criteria: Ambry Variant Classification Scheme 2023. Collection method: clinical testing. Allele origin: germline.
Comment: The p.T424R variant (also known as c.1271C>G), located in coding exon 9 of the LMF1 gene, results from a C to G substitution at nucleotide position 1271. The threonine at codon 424 is replaced by arginine, an amino acid with similar properties. This amino acid position is highly conserved in available vertebrate species. In addition, this alteration is predicted to be deleterious by in silico analysis. Based on the available evidence, the clinical significance of this variant remains unclear.

Labcorp Genetics (formerly Invitae), Labcorp
Classification: Uncertain significance. Last evaluated: 2021-06-24. Review status: criteria provided, single submitter. Criteria: Invitae Variant Classification Sherloc (09022015). Collection method: clinical testing. Allele origin: germline.
Comment: In summary, the available evidence is currently insufficient to determine the role of this variant in disease. Therefore, it has been classified as a Variant of Uncertain Significance. Algorithms developed to predict the effect of missense changes on protein structure and function do not agree on the potential impact of this missense change (SIFT: "Deleterious"; PolyPhen-2: "Probably Damaging"; Align-GVGD: "Class C15"). This variant has not been reported in the literature in individuals with LMF1-related disease. This variant is present in population databases (rs370807438, ExAC 0.03%). This sequence change replaces threonine with arginine at codon 424 of the LMF1 protein (p.Thr424Arg). The threonine residue is highly conserved and there is a moderate physicochemical difference between threonine and arginine.

NM_022773.4(LMF1):c.1271C>G (p.Thr424Arg)

Gene: LMF1 (lipase maturation factor 1; minus strand). Cytogenetic location: 16p13.3.
Variant type: single nucleotide variant.
Coding change: c.1271C>G on transcript NM_022773.4 (MANE Select); coding-DNA position 1271, C replaced by G.
Protein change: p.Thr424Arg; replaces threonine 424 with arginine.
Molecular consequence: missense variant. On other transcripts: non-coding transcript variant (1).
Genome position (GRCh38, 1-based): chr16:870,028, G>C on the plus strand (C>G on the coding strand, the complement: LMF1 is on the minus strand). VCF-style: chr16-870028-G-C. GRCh37 (hg19) VCF-style: chr16-920028-G-C.
Other names: c.620C>G, p.Thr207Arg (NM_001352017.2, NM_001352021.2); c.872C>G, p.Thr291Arg (NM_001352018.2); c.944C>G, p.Thr315Arg (NM_001352019.2); c.1271C>G, p.Thr424Arg (NM_001352020.1); c.1271C>G (NM_022773.2); short protein forms T291R, T207R, T315R, T424R.
Identifiers: ClinVar variation 1414931 (VCV001414931.7), dbSNP rs370807438, ClinGen allele CA7797083.